The following is an entry in ClinVar:

ClinVar aggregate classification (germline): Uncertain significance (1 of 4 stars; one submission).

Allele frequency attached by ClinVar (database versions not stated): ESP Exome Variant Server 0.00008.
gnomAD v4.1: 21 of 1,609,598 alleles (0.0013%); highest among the groups gnomAD compares: Non-Finnish European, 0.0017%; no homozygotes.

Submission:

Labcorp Genetics (formerly Invitae), Labcorp
Classification: Uncertain significance. Last evaluated: 2022-09-04. Review status: criteria provided, single submitter. Criteria: Invitae Variant Classification Sherloc (09022015). Collection method: clinical testing. Allele origin: germline.
Comment: Algorithms developed to predict the effect of missense changes on protein structure and function (SIFT, PolyPhen-2, Align-GVGD) all suggest that this variant is likely to be tolerated. This variant has not been reported in the literature in individuals affected with PDE2A-related conditions. This variant is present in population databases (rs374515052, gnomAD 0.007%). This sequence change replaces proline, which is neutral and non-polar, with glutamine, which is neutral and polar, at codon 98 of the PDE2A protein (p.Pro98Gln). In summary, the available evidence is currently insufficient to determine the role of this variant in disease. Therefore, it has been classified as a Variant of Uncertain Significance.

NM_002599.5(PDE2A):c.293C>A (p.Pro98Gln)

Gene: PDE2A (phosphodiesterase 2A; minus strand). Cytogenetic location: 11q13.4.
Variant type: single nucleotide variant.
Coding change: c.293C>A on transcript NM_002599.5 (MANE Select); coding-DNA position 293, C replaced by A.
Protein change: p.Pro98Gln; replaces proline 98 with glutamine.
Molecular consequence: missense variant.
Genome position (GRCh38, 1-based): chr11:72,605,168, G>T on the plus strand (C>A on the coding strand, the complement: PDE2A is on the minus strand). VCF-style: chr11-72605168-G-T. GRCh37 (hg19) VCF-style: chr11-72316212-G-T.
Other names: c.272C>A, p.Pro91Gln (NM_001143839.4); c.266C>A, p.Pro89Gln (NM_001146209.3); c.230C>A, p.Pro77Gln (NM_001243784.2); short protein forms P89Q, P98Q, P77Q, P91Q.
Identifiers: ClinVar variation 2168817 (VCV002168817.2), dbSNP rs374515052, ClinGen allele CA6172649.
Genomic context (GRCh38, chr11:72,605,168, plus strand): 5'-AGGGCAATGGGGGTGCAGAGAATGGCTCACCGGACTTTCCCCTCCTGGGGCAGCTCATGT[G>T]GGGGGTCCTCACACACCAGCTGGGACTCACCATCCAGTAGGTAGGTGTAGACAGTTTCCT-3'
Protein context (NP_002590.1, residues 88-108): GESQLVCEDP[Pro98Gln]HELPQEGKVR